The following is an entry in ClinVar:

NM_001430.5(EPAS1):c.790C>G (p.Leu264Val)

Gene: EPAS1 (endothelial PAS domain protein 1; plus strand). Cytogenetic location: 2p21.
Variant type: single nucleotide variant.
Coding change: c.790C>G on transcript NM_001430.5 (MANE Select); coding-DNA position 790, C replaced by G.
Protein change: p.Leu264Val; replaces leucine 264 with valine.
Molecular consequence: missense variant.
Genome position (GRCh38, 1-based): chr2:46,369,837, C>G. VCF-style: chr2-46369837-C-G. GRCh37 (hg19) VCF-style: chr2-46596976-C-G.
Other names: short protein forms L264V.
Identifiers: ClinVar variation 1761168 (VCV001761168.3), dbSNP rs199738228, ClinGen allele CA1644772.
Genomic context (GRCh38, chr2:46,369,837, plus strand): 5'-TAAGTTAATATGGTCTTTCTTCCTTACATGCTGCCTTTTTAAAAACTCAGAATCACAGAA[C>G]TGATTGGTTACCACCCTGAGGAGCTGCTTGGCCGCTCAGCCTATGAATTCTACCATGCGC-3'
Protein context (NP_001421.2, residues 254-274): FTYCDDRITE[Leu264Val]IGYHPEELLG

ClinVar aggregate classification (germline): Uncertain significance. Review status: criteria provided, multiple submitters, no conflicts (2 of 4 stars). 2 submissions from 2 submitters: Uncertain significance (2). Last evaluated 2025-02-06.

Conditions:
Inborn genetic diseases. Identifiers: MedGen C0950123, MeSH D030342.

Allele frequency attached by ClinVar (database versions not stated): TOPMed 0.00001; gnomAD 0.00003; ExAC 0.00006.
gnomAD v4.1: 57 of 1,612,608 alleles (0.0035%); highest among the groups gnomAD compares: South Asian, 0.057%; 1 homozygote.

Submissions (2):

Labcorp Genetics (formerly Invitae), Labcorp
Classification: Uncertain significance. Last evaluated: 2025-02-06. Review status: criteria provided, single submitter. Criteria: Invitae Variant Classification Sherloc (09022015). Collection method: clinical testing. Allele origin: germline.
Comment: This sequence change replaces leucine, which is neutral and non-polar, with valine, which is neutral and non-polar, at codon 264 of the EPAS1 protein (p.Leu264Val). This variant is present in population databases (rs199738228, gnomAD 0.05%), and has an allele count higher than expected for a pathogenic variant. This variant has not been reported in the literature in individuals affected with EPAS1-related conditions. ClinVar contains an entry for this variant (Variation ID: 1761168). An algorithm developed to predict the effect of missense changes on protein structure and function (PolyPhen-2) suggests that this variant is likely to be disruptive. In summary, the available evidence is currently insufficient to determine the role of this variant in disease. Therefore, it has been classified as a Variant of Uncertain Significance.

Ambry Genetics
Classification: Uncertain significance for Inborn genetic diseases. Last evaluated: 2021-07-05. Review status: criteria provided, single submitter. Criteria: Ambry Variant Classification Scheme 2023. Collection method: clinical testing. Allele origin: germline.
Comment: The p.L264V variant (also known as c.790C>G), located in coding exon 7 of the EPAS1 gene, results from a C to G substitution at nucleotide position 790. The leucine at codon 264 is replaced by valine, an amino acid with highly similar properties. This amino acid position is conserved. In addition, this alteration is predicted to be tolerated by in silico analysis. Since supporting evidence is limited at this time, the clinical significance of this alteration remains unclear.